The following is an entry in ClinVar:

NM_020207.7(ERCC6L2):c.51A>G (p.Ile17Met)

Gene: ERCC6L2 (ERCC excision repair 6 like 2; plus strand). Cytogenetic location: 9q22.32.
Variant type: single nucleotide variant.
Coding change: c.51A>G on transcript NM_020207.7 (MANE Select); coding-DNA position 51, A replaced by G.
Protein change: p.Ile17Met; replaces isoleucine 17 with methionine.
Molecular consequence: missense variant. On other transcripts: non-coding transcript variant (1).
Genome position (GRCh38, 1-based): chr9:95,880,873, A>G. VCF-style: chr9-95880873-A-G. GRCh37 (hg19) VCF-style: chr9-98643155-A-G.
Other names: c.51A>G, p.Ile17Met (NM_001010895.4, NM_001375291.1, NM_001375292.1 and 2 more transcripts); short protein forms I17M.
Identifiers: ClinVar variation 4019287 (VCV004019287.1).

ClinVar aggregate classification (germline): Uncertain significance (1 of 4 stars; one submission).

Conditions:
Inborn genetic diseases. Identifiers: MedGen C0950123, MeSH D030342.

gnomAD v4.1: 2 of 1,604,164 alleles (0.00012%); highest among the groups gnomAD compares: Non-Finnish European, 0.00017%; no homozygotes.

Submission:

Ambry Genetics
Classification: Uncertain significance for Inborn genetic diseases. Last evaluated: 2025-04-03. Review status: criteria provided, single submitter. Criteria: Ambry Variant Classification Scheme 2023. Collection method: clinical testing. Allele origin: germline.
Comment: The p.I17M variant (also known as c.51A>G), located in coding exon 2 of the ERCC6L2 gene, results from an A to G substitution at nucleotide position 51. The isoleucine at codon 17 is replaced by methionine, an amino acid with highly similar properties. This amino acid position is conserved. In addition, this alteration is predicted to be tolerated by in silico analysis. Based on the available evidence, the clinical significance of this variant remains unclear.